The following is an entry in ClinVar:

NM_001197104.2(KMT2A):c.4495A>C (p.Asn1499His)

Gene: KMT2A (lysine methyltransferase 2A; plus strand). Cytogenetic location: 11q23.3.
Variant type: single nucleotide variant.
Coding change: c.4495A>C on transcript NM_001197104.2 (MANE Select); coding-DNA position 4495, A replaced by C.
Protein change: p.Asn1499His; replaces asparagine 1499 with histidine.
Molecular consequence: missense variant.
Genome position (GRCh38, 1-based): chr11:118,489,807, A>C. VCF-style: chr11-118489807-A-C. GRCh37 (hg19) VCF-style: chr11-118360522-A-C.
Other names: c.4594A>C, p.Asn1532His (NM_001412597.1); c.4495A>C, p.Asn1499His (NM_005933.4); short protein forms N1499H, N1532H.
Identifiers: ClinVar variation 3613475 (VCV003613475.3).

ClinVar aggregate classification (germline): Conflicting classifications of pathogenicity. Review status: criteria provided, conflicting classifications (1 of 4 stars). 2 submissions from 2 submitters: Uncertain significance (1); Likely benign (1). Last evaluated 2026-06-17.

Conditions:
Inborn genetic diseases. Identifiers: MedGen C0950123, MeSH D030342.

gnomAD v4.1: 13 of 1,614,114 alleles (0.00081%); highest among the groups gnomAD compares: African/African-American, 0.0053%; no homozygotes.

Submissions (2):

Ambry Genetics
Classification: Likely benign for Inborn genetic diseases. Last evaluated: 2026-06-17. Review status: criteria provided, single submitter. Criteria: Ambry Variant Classification Scheme 2023. Collection method: clinical testing. Allele origin: germline.

Labcorp Genetics (formerly Invitae), Labcorp
Classification: Uncertain significance. Last evaluated: 2025-03-15. Review status: criteria provided, single submitter. Criteria: Invitae Variant Classification Sherloc (09022015). Collection method: clinical testing. Allele origin: germline.
Comment: This sequence change replaces asparagine, which is neutral and polar, with histidine, which is basic and polar, at codon 1499 of the KMT2A protein (p.Asn1499His). This variant is present in population databases (rs538817636, gnomAD 0.007%). This variant has not been reported in the literature in individuals affected with KMT2A-related conditions. Invitae Evidence Modeling of protein sequence and biophysical properties (such as structural, functional, and spatial information, amino acid conservation, physicochemical variation, residue mobility, and thermodynamic stability) has been performed for this missense variant. However, the output from this modeling did not meet the statistical confidence thresholds required to predict the impact of this variant on KMT2A protein function. In summary, the available evidence is currently insufficient to determine the role of this variant in disease. Therefore, it has been classified as a Variant of Uncertain Significance.